The following is an entry in ClinVar:

ClinVar aggregate classification (germline): Conflicting classifications of pathogenicity. Review status: criteria provided, conflicting classifications (1 of 4 stars). 6 submissions from 6 submitters: Uncertain significance (4); Likely benign (1). 1 of the submissions does not count toward it. Last evaluated 2026-05-12.

Conditions:
Cohen syndrome (COH1). Also called: PEPPER SYNDROME; Cutis verticis gyrata, retinitis pigmentosa, and sensorineural deafness. Identifiers: Orphanet 193, MedGen C0265223, MONDO:0008999, OMIM 216550.
VPS13B-related disorder. Also called: VPS13B-related condition.
Inborn genetic diseases. Identifiers: MedGen C0950123, MeSH D030342.

Allele frequency attached by ClinVar (database versions not stated): gnomAD exomes 0.00006; gnomAD 0.00007 and 0.00008; TOPMed 0.00009; ExAC 0.00010; ESP Exome Variant Server 0.00015.
gnomAD v4.1: 71 of 1,596,708 alleles (0.0044%); highest among the groups gnomAD compares: African/African-American, 0.016%; no homozygotes.

Submissions (6):

PreventionGenetics, part of Exact Sciences
Classification: Uncertain significance for VPS13B-related condition. Last evaluated: 2026-05-12. Review status: criteria provided, single submitter. Criteria: ACMG Guidelines, 2015. Collection method: clinical testing. Allele origin: germline.
Comment: The VPS13B c.11144G>A variant is predicted to result in the amino acid substitution p.Arg3715Gln. To our knowledge, this variant has not been reported in the literature. This variant is reported in 0.037% of alleles in individuals of African descent in gnomAD. At this time, the clinical significance of this variant is uncertain due to the absence of conclusive functional and genetic evidence.

Labcorp Genetics (formerly Invitae), Labcorp
Classification: Likely benign for Cohen syndrome. Last evaluated: 2025-12-30. Review status: criteria provided, single submitter. Criteria: Invitae Variant Classification Sherloc (09022015). Collection method: clinical testing. Allele origin: germline.

Ambry Genetics
Classification: Uncertain significance for Inborn genetic diseases. Last evaluated: 2024-12-02. Review status: criteria provided, single submitter. Criteria: Ambry Variant Classification Scheme 2023. Collection method: clinical testing. Allele origin: germline.

Blueprint Genetics
Classification: Uncertain significance. Last evaluated: 2024-02-07. Review status: criteria provided, single submitter. Criteria: ACMG Guidelines, 2015. Collection method: clinical testing. Allele origin: germline.

Revvity Omics, Revvity
Classification: Uncertain significance for Cohen syndrome. Last evaluated: 2022-02-04. Review status: criteria provided, single submitter. Criteria: ACMG Guidelines, 2015. Collection method: clinical testing. Allele origin: germline.

Natera, Inc.
Classification: Uncertain significance for Cohen syndrome. Last evaluated: 2019-10-29. Review status: no assertion criteria provided. Collection method: clinical testing. Allele origin: germline. Not counted in ClinVar's aggregate classification.

NM_152564.5(VPS13B):c.11144G>A (p.Arg3715Gln)

Gene: VPS13B (vacuolar protein sorting 13 homolog B; plus strand). Cytogenetic location: 8q22.2.
Variant type: single nucleotide variant.
Coding change: c.11144G>A on transcript NM_152564.5 (MANE Select); coding-DNA position 11144, G replaced by A.
Protein change: p.Arg3715Gln; replaces arginine 3715 with glutamine.
Molecular consequence: missense variant.
Genome position (GRCh38, 1-based): chr8:99,861,875, G>A. VCF-style: chr8-99861875-G-A. GRCh37 (hg19) VCF-style: chr8-100874103-G-A.
Other names: c.11219G>A (NM_017890.3); c.11144G>A (NM_152564.4); c.11219G>A, p.Arg3740Gln (NM_017890.5); short protein forms R3740Q, R3715Q.
Identifiers: ClinVar variation 972449 (VCV000972449.18), dbSNP rs141566041, ClinGen allele CA4825152.